The following is an entry in ClinVar:

ClinVar aggregate classification (germline): Pathogenic (1 of 4 stars; one submission).

Conditions:
Ehlers-Danlos syndrome, type 4 (EDSVASC). Also called: Ehlers-Danlos syndrome vascular type; Ehlers Danlos syndrome, ecchymotic type; Ehlers Danlos syndrome, arterial type; Ehlers Danlos syndrome, Sack-Barabas type; Ehlers-Danlos Syndrome Type IV. Identifiers: Orphanet 286, MedGen C0268338, MONDO:0017314, OMIM 130050.

Submission:

Labcorp Genetics (formerly Invitae), Labcorp
Classification: Pathogenic for Ehlers-Danlos syndrome, type 4. Last evaluated: 2025-09-02. Review status: criteria provided, single submitter. Criteria: Invitae Variant Classification Sherloc (09022015). Collection method: clinical testing. Allele origin: germline.
Comment: This sequence change affects a donor splice site in intron 48 of the COL3A1 gene. It is expected to disrupt RNA splicing. Variants that disrupt the donor or acceptor splice site typically lead to a loss of protein function (PMID: 16199547), and loss-of-function variants in COL3A1 are known to be pathogenic (PMID: 24922459). This variant is not present in population databases (gnomAD no frequency). Disruption of this splice site has been observed in individuals with clinical features of vascular Ehlers-Danlos syndrome (PMID: 25758994, 35984436; internal data). ClinVar contains an entry for this variant (Variation ID: 642401). Algorithms developed to predict the effect of sequence changes on RNA splicing suggest that this variant may disrupt the consensus splice site. For these reasons, this variant has been classified as Pathogenic.

Literature cited by the submitters: PubMed 16199547; PubMed 24922459; PubMed 25758994; PubMed 35984436.

NM_000090.4(COL3A1):c.3823+1G>T

Gene: COL3A1 (collagen type III alpha 1 chain; plus strand). Cytogenetic location: 2q32.2.
Variant type: single nucleotide variant.
Coding change: c.3823+1G>T on transcript NM_000090.4 (MANE Select); the canonical splice donor site of the intron after coding-DNA position 3823, G replaced by T.
Molecular consequence: splice donor variant.
Genome position (GRCh38, 1-based): chr2:189,009,222, G>T. VCF-style: chr2-189009222-G-T. GRCh37 (hg19) VCF-style: chr2-189873948-G-T.
Identifiers: ClinVar variation 642401 (VCV000642401.11), dbSNP rs1576473641, ClinGen allele CA349847937.